The following is an entry in ClinVar:

NM_004136.4(IREB2):c.1760C>T (p.Pro587Leu)

Gene: IREB2 (iron responsive element binding protein 2; plus strand). Cytogenetic location: 15q25.1.
Variant type: single nucleotide variant.
Coding change: c.1760C>T on transcript NM_004136.4 (MANE Select); coding-DNA position 1760, C replaced by T.
Protein change: p.Pro587Leu; replaces proline 587 with leucine.
Molecular consequence: missense variant.
Genome position (GRCh38, 1-based): chr15:78,487,783, C>T. VCF-style: chr15-78487783-C-T. GRCh37 (hg19) VCF-style: chr15-78780125-C-T.
Other names: c.1010C>T, p.Pro337Leu (NM_001320941.2); c.1589C>T, p.Pro530Leu (NM_001320942.2, NM_001354994.2); short protein forms P530L, P587L, P337L.
Identifiers: ClinVar variation 2007607 (VCV002007607.1), dbSNP rs2542623149, ClinGen allele CA393563440.
Genomic context (GRCh38, chr15:78,487,783, plus strand): 5'-TGAAATGCAGATTTGAAATCGTTGGCTATGGATGTTCAATTTGTGTGGGAAATACAGCAC[C>T]CTTATCAGACGCAGTTTTAAATGCAGTAAAACAGGTAAAATGTGTGGATTGGCAAGACAT-3'
Protein context (NP_004127.2, residues 577-597): GCSICVGNTA[Pro587Leu]LSDAVLNAVK

ClinVar aggregate classification (germline): Uncertain significance (1 of 4 stars; one submission).

Submission:

Labcorp Genetics (formerly Invitae), Labcorp
Classification: Uncertain significance. Last evaluated: 2022-06-17. Review status: criteria provided, single submitter. Criteria: Invitae Variant Classification Sherloc (09022015). Collection method: clinical testing. Allele origin: germline.
Comment: This sequence change replaces proline, which is neutral and non-polar, with leucine, which is neutral and non-polar, at codon 587 of the IREB2 protein (p.Pro587Leu). This variant is not present in population databases (gnomAD no frequency). This variant has not been reported in the literature in individuals affected with IREB2-related conditions. Algorithms developed to predict the effect of missense changes on protein structure and function are either unavailable or do not agree on the potential impact of this missense change (SIFT: "Not Available"; PolyPhen-2: "Probably Damaging"; Align-GVGD: "Not Available"). In summary, the available evidence is currently insufficient to determine the role of this variant in disease. Therefore, it has been classified as a Variant of Uncertain Significance.